The following is an entry in ClinVar:

NM_181426.2(CCDC39):c.2357_2359delinsT (p.Ser786fs)

Genes: CCDC39 (coiled-coil domain 39 molecular ruler complex subunit; minus strand), TTC14 (tetratricopeptide repeat domain 14; plus strand). Cytogenetic location: 3q26.33.
Variant type: Indel.
Coding change: c.2357_2359delinsT on transcript NM_181426.2 (MANE Select); coding-DNA positions 2357 to 2359, GTA replaced by T.
Protein change: p.Ser786fs; shifts the reading frame from serine 786.
Molecular consequence: frameshift variant. On other transcripts: intron variant (1).
Genome position (GRCh38, 1-based): chr3:180,616,873-180,616,875, TAC replaced by A on the plus strand (GTA replaced by T on the coding strand, the reverse complement: CCDC39 is on the minus strand). VCF-style: chr3-180616873-TAC-A. GRCh37 (hg19) VCF-style: chr3-180334661-TAC-A.
Other names: c.1775-507_1775-505delinsA (NM_001288582.2); short protein forms S786fs.
Identifiers: ClinVar variation 65994 (VCV000065994.10), dbSNP rs587778821, ClinGen allele CA345283.
Genomic context (GRCh38, chr3:180,616,873, plus strand): 5'-AAGATATCGATACCTGTTTGGTCACTCTTTCTAATTTTGGCTTCTGCTCCTCCGTTTCTT[TAC>A]TTAGTTGAAATGAATAAGCCTGCTTCTCTGATAACTTTTCTTTAACATTATTTGCCAAAT-3'

ClinVar aggregate classification (germline): Pathogenic. Review status: criteria provided, multiple submitters, no conflicts (2 of 4 stars). 4 submissions from 4 submitters: Pathogenic (2). 2 of the submissions do not count toward it. Last evaluated 2024-05-24.

Conditions:
Primary ciliary dyskinesia. Also called: Ciliary dyskinesia. Identifiers: Orphanet 244, MedGen C0008780, MONDO:0016575, HP:0012265.
Primary ciliary dyskinesia 14. Also called: CILIARY DYSKINESIA, PRIMARY, 14, WITH OR WITHOUT SITUS INVERSUS. Identifiers: Orphanet 244, MedGen C3151136, MONDO:0013434, OMIM 613807.

Submissions (4):

Fulgent Genetics
Classification: Pathogenic for Primary ciliary dyskinesia 14. Last evaluated: 2024-05-24. Review status: criteria provided, single submitter. Criteria: ACMG Guidelines, 2015. Collection method: clinical testing. Allele origin: germline.

Labcorp Genetics (formerly Invitae), Labcorp
Classification: Pathogenic for Primary ciliary dyskinesia. Last evaluated: 2023-07-17. Review status: criteria provided, single submitter. Criteria: Invitae Variant Classification Sherloc (09022015). Collection method: clinical testing. Allele origin: germline.
Comment: This sequence change creates a premature translational stop signal (p.Ser786Ilefs*33) in the CCDC39 gene. It is expected to result in an absent or disrupted protein product. Loss-of-function variants in CCDC39 are known to be pathogenic (PMID: 21131972, 23255504). Information on the frequency of this variant in the gnomAD database is not available, as this variant may be reported differently in the database. This premature translational stop signal has been observed in individual(s) with primary ciliary dyskinesia (PMID: 21131972). ClinVar contains an entry for this variant (Variation ID: 631917). For these reasons, this variant has been classified as Pathogenic.

GeneReviews
Classification: Pathogenic for Primary Ciliary Dyskinesia. Last evaluated: 2011-09-15. Review status: no assertion criteria provided. Collection method: curation. Allele origin: unknown. Not counted in ClinVar's aggregate classification.
ClinVar note: Converted during submission from pathologic to Pathogenic.

OMIM
Classification: Pathogenic for CILIARY DYSKINESIA, PRIMARY, 14. Last evaluated: 2011-01-01. Review status: no assertion criteria provided. Collection method: literature only. Allele origin: germline. Not counted in ClinVar's aggregate classification.

Literature cited by the submitters: PubMed 21131972 (cited by Labcorp Genetics (formerly Invitae), Labcorp and OMIM); PubMed 23255504 (cited by Labcorp Genetics (formerly Invitae), Labcorp).